The following is an entry in ClinVar:

NM_000057.4(BLM):c.2749G>A (p.Ala917Thr)

Gene: BLM (BLM RecQ like helicase; plus strand). Cytogenetic location: 15q26.1.
Variant type: single nucleotide variant.
Coding change: c.2749G>A on transcript NM_000057.4 (MANE Select); coding-DNA position 2749, G replaced by A.
Protein change: p.Ala917Thr; replaces alanine 917 with threonine.
Molecular consequence: missense variant.
Genome position (GRCh38, 1-based): chr15:90,785,007, G>A. VCF-style: chr15-90785007-G-A. GRCh37 (hg19) VCF-style: chr15-91328237-G-A.
Other names: c.2749G>A, p.Ala917Thr (NM_001287246.2, NM_001287247.2); c.1624G>A, p.Ala542Thr (NM_001287248.2); short protein forms A542T, A917T.
Identifiers: ClinVar variation 3991620 (VCV003991620.1).
Genomic context (GRCh38, chr15:90,785,007, plus strand): 5'-TCCAGGCGAGAATGTGACACCATGGCTGACACGTTACAGAGAGATGGGCTCGCTGCTCTT[G>A]CTTACCATGCTGGCCTCAGTGATTCTGCCAGAGATGAAGTGCAGCAGAAGTGGATTAATC-3'
Protein context (NP_000048.1, residues 907-927): TLQRDGLAAL[Ala917Thr]YHAGLSDSAR

ClinVar aggregate classification (germline): Uncertain significance (1 of 4 stars; one submission).

Conditions:
Hereditary cancer-predisposing syndrome. Also called: Tumor predisposition; Hereditary neoplastic syndrome; Neoplastic Syndromes, Hereditary; Hereditary Cancer Syndrome. Identifiers: Orphanet 140162, MedGen C0027672, MeSH D009386, MONDO:0015356.

gnomAD v4.1: 1 of 1,614,152 alleles (0.000062%); highest among the groups gnomAD compares: Non-Finnish European, 0.000085%; no homozygotes.

Submission:

Ambry Genetics
Classification: Uncertain significance for Hereditary cancer-predisposing syndrome. Last evaluated: 2025-03-22. Review status: criteria provided, single submitter. Criteria: Ambry Variant Classification Scheme 2023. Collection method: clinical testing. Allele origin: germline.
Comment: The p.A917T variant (also known as c.2749G>A), located in coding exon 13 of the BLM gene, results from a G to A substitution at nucleotide position 2749. The alanine at codon 917 is replaced by threonine, an amino acid with similar properties. This amino acid position is conserved. In addition, the in silico prediction for this alteration is inconclusive. Based on the available evidence, the clinical significance of this variant remains unclear.